The following is an entry in ClinVar:

NM_001127208.3(TET2):c.3035C>T (p.Pro1012Leu)

Genes: TET2 (tet methylcytosine dioxygenase 2; plus strand), TET2-AS1 (TET2 antisense RNA 1; minus strand). Cytogenetic location: 4q24.
Variant type: single nucleotide variant.
Coding change: c.3035C>T on transcript NM_001127208.3 (MANE Select); coding-DNA position 3035, C replaced by T.
Protein change: p.Pro1012Leu; replaces proline 1012 with leucine.
Molecular consequence: missense variant.
Genome position (GRCh38, 1-based): chr4:105,236,977, C>T. VCF-style: chr4-105236977-C-T. GRCh37 (hg19) VCF-style: chr4-106158134-C-T.
Other names: c.3035C>T, p.Pro1012Leu (NM_017628.4); short protein forms P1012L.
Identifiers: ClinVar variation 135313 (VCV000135313.3), dbSNP rs587778707, ClinGen allele CA162330.

ClinVar aggregate classification (germline): Uncertain significance. Review status: criteria provided, single submitter (1 of 4 stars). 2 submissions from 2 submitters: Uncertain significance (1). 1 of the submissions does not count toward it. Last evaluated 2023-11-19.

Allele frequency attached by ClinVar (database versions not stated): ExAC 0.00007; gnomAD 0.00007; TOPMed 0.00007; gnomAD exomes 0.00008.
gnomAD v4.1: 93 of 1,613,970 alleles (0.0058%); highest among the groups gnomAD compares: Middle Eastern, 0.033%; no homozygotes.

Submissions (2):

Labcorp Genetics (formerly Invitae), Labcorp
Classification: Uncertain significance. Last evaluated: 2023-11-19. Review status: criteria provided, single submitter. Criteria: Invitae Variant Classification Sherloc (09022015). Collection method: clinical testing. Allele origin: germline.
Comment: This sequence change replaces proline, which is neutral and non-polar, with leucine, which is neutral and non-polar, at codon 1012 of the TET2 protein (p.Pro1012Leu). This variant is present in population databases (rs587778707, gnomAD 0.01%). This variant has not been reported in the literature in individuals affected with TET2-related conditions. ClinVar contains an entry for this variant (Variation ID: 135313). An algorithm developed to predict the effect of missense changes on protein structure and function (PolyPhen-2) suggests that this variant¬†is likely to be tolerated. In summary, the available evidence is currently insufficient to determine the role of this variant in disease. Therefore, it has been classified as a Variant of Uncertain Significance.

ITMI
No classification provided. Condition: AllHighlyPenetrant. Last evaluated: 2013-09-19. Review status: no classification provided. Collection method: reference population. Allele origin: germline. Not counted in ClinVar's aggregate classification.
Comment: Please see associated publication for description of ethnicities

Literature cited by the submitters: PubMed 24728327 (cited by ITMI).